The following is an entry in ClinVar:

ClinVar aggregate classification (germline): Uncertain significance (1 of 4 stars; one submission).

Allele frequency attached by ClinVar (database versions not stated): ExAC 0.00002; ESP Exome Variant Server 0.00008.
gnomAD v4.1: 15 of 1,613,122 alleles (0.00093%); highest among the groups gnomAD compares: Non-Finnish European, 0.001%; no homozygotes.

Submission:

Labcorp Genetics (formerly Invitae), Labcorp
Classification: Uncertain significance. Last evaluated: 2022-06-07. Review status: criteria provided, single submitter. Criteria: Invitae Variant Classification Sherloc (09022015). Collection method: clinical testing. Allele origin: germline.
Comment: This sequence change replaces proline, which is neutral and non-polar, with threonine, which is neutral and polar, at codon 38 of the TSFM protein (p.Pro38Thr). This variant is present in population databases (rs368889346, gnomAD 0.003%). This variant has not been reported in the literature in individuals affected with TSFM-related conditions. Algorithms developed to predict the effect of missense changes on protein structure and function (SIFT, PolyPhen-2, Align-GVGD) all suggest that this variant is likely to be tolerated. In summary, the available evidence is currently insufficient to determine the role of this variant in disease. Therefore, it has been classified as a Variant of Uncertain Significance.

NM_005726.6(TSFM):c.112C>A (p.Pro38Thr)

Gene: TSFM (Ts translation elongation factor, mitochondrial; plus strand). Cytogenetic location: 12q14.1.
Variant type: single nucleotide variant.
Coding change: c.112C>A on transcript NM_005726.6 (MANE Select); coding-DNA position 112, C replaced by A.
Protein change: p.Pro38Thr; replaces proline 38 with threonine.
Molecular consequence: missense variant.
Genome position (GRCh38, 1-based): chr12:57,783,164, C>A. VCF-style: chr12-57783164-C-A. GRCh37 (hg19) VCF-style: chr12-58176947-C-A.
Other names: c.112C>A, p.Pro38Thr (NM_001172695.2, NM_001172696.2, NM_001172697.2); short protein forms P38T.
Identifiers: ClinVar variation 1952904 (VCV001952904.2), dbSNP rs368889346, ClinGen allele CA6659221.
Genomic context (GRCh38, chr12:57,783,164, plus strand): 5'-ATCTAGGCTGGGTCTCTTCTGCGTCAGTCGCCCCAGCCAAGGCACACATTTTATGCTGGG[C>A]CCCGTCTGTCTGCCTCGGCCTCCAGCAAGGAGCTCCTCATGAAGCTGCGGCGGAAAACAG-3'
Protein context (NP_005717.3, residues 28-48): PQPRHTFYAG[Pro38Thr]RLSASASSKE